The following is an entry in ClinVar:

ClinVar aggregate classification (germline): Uncertain significance (1 of 4 stars; one submission).

Allele frequency attached by ClinVar (database versions not stated): TOPMed below 0.00001.

Submission:

Labcorp Genetics (formerly Invitae), Labcorp
Classification: Uncertain significance. Last evaluated: 2022-06-09. Review status: criteria provided, single submitter. Criteria: Invitae Variant Classification Sherloc (09022015). Collection method: clinical testing. Allele origin: germline.
Comment: This sequence change replaces isoleucine, which is neutral and non-polar, with threonine, which is neutral and polar, at codon 1427 of the ASPM protein (p.Ile1427Thr). In summary, the available evidence is currently insufficient to determine the role of this variant in disease. Therefore, it has been classified as a Variant of Uncertain Significance. Algorithms developed to predict the effect of missense changes on protein structure and function (SIFT, PolyPhen-2, Align-GVGD) all suggest that this variant is likely to be disruptive. This variant has not been reported in the literature in individuals affected with ASPM-related conditions. This variant is not present in population databases (gnomAD no frequency).

NM_018136.5(ASPM):c.4280T>C (p.Ile1427Thr)

Gene: ASPM (assembly factor for spindle microtubules; minus strand). Cytogenetic location: 1q31.3.
Variant type: single nucleotide variant.
Coding change: c.4280T>C on transcript NM_018136.5 (MANE Select); coding-DNA position 4280, T replaced by C.
Protein change: p.Ile1427Thr; replaces isoleucine 1427 with threonine.
Molecular consequence: missense variant. On other transcripts: intron variant (1).
Genome position (GRCh38, 1-based): chr1:197,104,971, A>G on the plus strand (T>C on the coding strand, the complement: ASPM is on the minus strand). VCF-style: chr1-197104971-A-G. GRCh37 (hg19) VCF-style: chr1-197074101-A-G.
Other names: c.4066-8807T>C (NM_001206846.2); short protein forms I1427T.
Identifiers: ClinVar variation 1435437 (VCV001435437.6), dbSNP rs1657364469, ClinGen allele CA344031117.
Genomic context (GRCh38, chr1:197,104,971, plus strand): 5'-ACTGTAGCTTTTACTTGTGATTGCATTTTACGTTGCTTCCATTTTCTGAACATAGATTGG[A>G]TTATAAGAGTTGATGATTTTAGCATTTCATATCTTTGTTGATCTTGTTTTCTTCTTAAAT-3'
Protein context (NP_060606.3, residues 1417-1437): YEMLKSSTLI[Ile1427Thr]QSMFRKWKQR